The following is an entry in ClinVar:

ClinVar aggregate classification (germline): Conflicting classifications of pathogenicity. Review status: criteria provided, conflicting classifications (1 of 4 stars). 11 submissions from 10 submitters: Uncertain significance (2); Benign (2); Likely benign (6). 1 of the submissions does not count toward it. Last evaluated 2026-03-17.

Conditions:
CDH23-related disorder. Also called: CDH23-related condition; CDH23-related disorders.
Usher syndrome type 1 (USH1). Also called: RETINITIS PIGMENTOSA AND CONGENITAL DEAFNESS. Identifiers: Orphanet 231169, Orphanet 886, MedGen C1568247, MONDO:0010168, OMIM 276900.
Cone-rod dystrophy. Also called: Cone/cone-rod dystrophy; Cone-rod degeneration. Identifiers: Orphanet 1872, MedGen C4085590, MONDO:0015993, HP:0000548.
Autosomal recessive nonsyndromic hearing loss 12. Also called: DEAFNESS, AUTOSOMAL RECESSIVE 12. Identifiers: Orphanet 90636, MedGen C1832394, MONDO:0011067, OMIM 601386.
Usher syndrome type 1D (USH1D). Also called: USHER SYNDROME, TYPE ID. Identifiers: Orphanet 231169, Orphanet 886, MedGen C1832845, MONDO:0010984, OMIM 601067.

Allele frequency attached by ClinVar (database versions not stated): gnomAD exomes 0.00041; ExAC 0.00080; ESP Exome Variant Server 0.00143; gnomAD 0.00160 and 0.00170; TOPMed 0.00171; 1000 Genomes Project 30x 0.00187; 1000 Genomes Project 0.00220.
gnomAD v4.1: 511 of 1,608,082 alleles (0.032%); highest among the groups gnomAD compares: African/African-American, 0.57%; no homozygotes.

Submissions (11):

Women's Health and Genetics/Laboratory Corporation of America, LabCorp
Classification: Likely benign. Last evaluated: 2026-03-17. Review status: criteria provided, single submitter. Criteria: LabCorp Variant Classification Summary - May 2015. Collection method: clinical testing. Allele origin: germline.
Comment: Variant summary: CDH23 c.5753G>A (p.Arg1918Gln) results in a conservative amino acid change in the encoded protein sequence. Algorithms developed to predict the effect of missense changes on protein structure and function all suggest that this variant is likely to be tolerated. The variant allele was found at a frequency of 0.00041 in 238958 control chromosomes, predominantly at a frequency of 0.0057 within the African or African-American subpopulation in the gnomAD database. The observed variant frequency within African or African-American control individuals in the gnomAD database exceeds the estimated maximal expected allele frequency for disease-causing variants in CDH23. To our knowledge, no occurrence of c.5753G>A in individuals affected with CDH23-related conditions and no experimental evidence demonstrating its impact on protein function have been reported. ClinVar contains an entry for this variant (Variation ID: 45992). Based on the evidence outlined above, the variant was classified as likely benign.

Labcorp Genetics (formerly Invitae), Labcorp
Classification: Benign. Last evaluated: 2026-01-24. Review status: criteria provided, single submitter. Criteria: Invitae Variant Classification Sherloc (09022015). Collection method: clinical testing. Allele origin: germline.

PreventionGenetics, part of Exact Sciences
Classification: Likely benign for CDH23-related condition. Last evaluated: 2025-03-18. Review status: criteria provided, single submitter. Criteria: ACMG Guidelines, 2015. Collection method: clinical testing. Allele origin: germline.
Comment: This variant is classified as likely benign based on ACMG/AMP sequence variant interpretation guidelines (Richards et al. 2015 PMID: 25741868, with internal and published modifications).

CeGaT Center for Human Genetics Tuebingen
Classification: Likely benign. Last evaluated: 2025-03-01. Review status: criteria provided, single submitter. Criteria: CeGaT Center For Human Genetics Tuebingen Variant Classification Criteria Version 2. Collection method: clinical testing. Allele origin: germline. Affected: yes. Observed: 1 variant allele.
Comment: CDH23: BP4, BS1

Blueprint Genetics
Classification: Likely benign. Last evaluated: 2024-11-13. Review status: criteria provided, single submitter. Criteria: ACMG Guidelines, 2015. Collection method: clinical testing. Allele origin: germline.

Cambridge Genomics Laboratory, East Genomic Laboratory Hub, NHS Genomic Medicine Service
Classification: Likely benign for Cone-rod dystrophy. Last evaluated: 2020-04-21. Review status: criteria provided, single submitter. Criteria: ACGS Best Practice Guidelines for Variant Classification in Rare Disease 2020. Collection method: clinical testing. Allele origin: germline. Affected: yes. Observed: 1 variant allele.

Illumina Laboratory Services, Illumina
Classification: Uncertain significance for Autosomal recessive nonsyndromic hearing loss 12. Last evaluated: 2018-01-12. Review status: criteria provided, single submitter. Criteria: ICSL Variant Classification Criteria 13 December 2019. Collection method: clinical testing. Allele origin: germline.

Illumina Laboratory Services, Illumina
Classification: Uncertain significance for Usher syndrome type 1D. Last evaluated: 2018-01-12. Review status: criteria provided, single submitter. Criteria: ICSL Variant Classification Criteria 13 December 2019. Collection method: clinical testing. Allele origin: germline.

Eurofins Ntd Llc (ga)
Classification: Benign. Last evaluated: 2014-12-08. Review status: criteria provided, single submitter. Criteria: EGL Classification Definitions 2015. Collection method: clinical testing. Allele origin: germline. Observed: 1 variant allele, 1 heterozygote.

Laboratory for Molecular Medicine, Mass General Brigham Personalized Medicine
Classification: Likely benign. Last evaluated: 2010-09-16. Review status: criteria provided, single submitter. Criteria: LMM Criteria. Collection method: clinical testing. Allele origin: germline. Observed: 1 variant allele.
Comment: Arg1918Gln in exon 44 of CDH23: This variant is not predicted to have clinical s ignificance because the Arg1918 residue is not conserved across species and is r eplaced with the variant Gln residue in Chicken. Furthermore, computational anal yses predict that the variant will not affect the protein.

Natera, Inc.
Classification: Uncertain significance for Usher syndrome type 1. Last evaluated: 2020-04-16. Review status: no assertion criteria provided. Collection method: clinical testing. Allele origin: germline. Not counted in ClinVar's aggregate classification.

NM_022124.6(CDH23):c.5753G>A (p.Arg1918Gln)

Gene: CDH23 (cadherin related 23; plus strand). Cytogenetic location: 10q22.1.
Variant type: single nucleotide variant.
Coding change: c.5753G>A on transcript NM_022124.6 (MANE Select); coding-DNA position 5753, G replaced by A.
Protein change: p.Arg1918Gln; replaces arginine 1918 with glutamine.
Molecular consequence: missense variant.
Genome position (GRCh38, 1-based): chr10:71,785,671, G>A. VCF-style: chr10-71785671-G-A. GRCh37 (hg19) VCF-style: chr10-73545428-G-A.
Other names: short protein forms R1918Q.
Identifiers: ClinVar variation 45992 (VCV000045992.36), dbSNP rs115113440, ClinGen allele CA137507.